The following is an entry in ClinVar:

ClinVar aggregate classification (germline): Uncertain significance (1 of 4 stars; one submission).

Submission:

GeneDx
Classification: Uncertain significance. Last evaluated: 2025-05-20. Review status: criteria provided, single submitter. Criteria: GeneDx Variant Classification Process June 2021. Collection method: clinical testing. Allele origin: germline. Affected: yes.
Comment: Not observed at significant frequency in large population cohorts (gnomAD); In silico analysis supports that this missense variant has a deleterious effect on protein structure/function; Has not been previously published as pathogenic or benign to our knowledge

NM_080680.3(COL11A2):c.1829G>A (p.Gly610Asp)

Gene: COL11A2 (collagen type XI alpha 2 chain; minus strand). Cytogenetic location: 6p21.32.
Variant type: single nucleotide variant.
Coding change: c.1829G>A on transcript NM_080680.3 (MANE Select); coding-DNA position 1829, G replaced by A.
Protein change: p.Gly610Asp; replaces glycine 610 with aspartic acid.
Molecular consequence: missense variant.
Genome position (GRCh38, 1-based): chr6:33,178,175, C>T on the plus strand (G>A on the coding strand, the complement: COL11A2 is on the minus strand). VCF-style: chr6-33178175-C-T. GRCh37 (hg19) VCF-style: chr6-33145952-C-T.
Other names: c.1649G>A, p.Gly550Asp (NM_001424108.1); c.983G>A, p.Gly328Asp (NM_001424109.1); c.803G>A, p.Gly268Asp (NM_001424110.1, NM_001424111.1); c.1508G>A, p.Gly503Asp (NM_080679.3); c.1571G>A, p.Gly524Asp (NM_080681.3); short protein forms G268D, G328D, G503D, G524D, G550D, G610D.
Identifiers: ClinVar variation 4531121 (VCV004531121.1).